The following is an entry in ClinVar:

NM_024426.4(WT1):c.1099delG

Gene: WT1 (WT1 transcription factor; minus strand). Cytogenetic location: 11p13.
Variant type: Deletion.
Coding change: c.1099delG on transcript NM_024426.4; coding-DNA position 1099, one base deleted (G).
Genome position (GRCh38, 1-based): chr11:32,396,407, C deleted on the plus strand (G on the coding strand, the reverse complement: WT1 is on the minus strand); the first of 2 consecutive C bases (chr11:32,396,407-32,396,408); deleting either gives the same sequence. VCF-style (leftmost placement, unchanged base first): chr11-32396406-TC-T. GRCh37 (hg19) VCF-style: chr11-32417952-TC-T.
Identifiers: ClinVar variation 1069921 (VCV001069921.11), dbSNP rs2132942367, ClinGen allele CA2499220913.

ClinVar aggregate classification (germline): Pathogenic. Review status: criteria provided, multiple submitters, no conflicts (2 of 4 stars). 2 submissions from 2 submitters: Pathogenic (2). Last evaluated 2025-11-12.

Conditions:
Wilms tumor 1 (WT1). Also called: Wilms tumor, somatic. Identifiers: Orphanet 654, MedGen CN033288, MONDO:0008679, OMIM 194070.
11p partial monosomy syndrome (WAGR). Also called: WAGR Spectrum Disorder; CHROMOSOME 11p13 DELETION SYNDROME; WAGR syndrome; WAGR Complex. Identifiers: Orphanet 893, MedGen C0206115, MONDO:0008681, OMIM 194072.
Drash syndrome (DDS). Also called: NEPHROPATHY, WILMS TUMOR, AND GENITAL ANOMALIES; WILMS TUMOR AND PSEUDO- OR TRUE HERMAPHRODITISM. Identifiers: Orphanet 220, MedGen C0950121, MONDO:0008682, OMIM 194080.
Frasier syndrome. Identifiers: Orphanet 347, MedGen C0950122, MeSH D052159, MONDO:0007635, OMIM 136680.
WT1-related disorder. Also called: WT1-related disorders. Identifiers: MedGen CN377814.

Submissions (2):

PreventionGenetics, part of Exact Sciences
Classification: Pathogenic for WT1-related condition. Last evaluated: 2025-11-12. Review status: criteria provided, single submitter. Criteria: ACMG Guidelines, 2015. Collection method: clinical testing. Allele origin: germline.
Comment: The WT1 c.1099delG variant is predicted to result in a frameshift and premature protein termination (p.Asp367Metfs*8). This variant was reported in an individual with Wilms tumor (referred to as c.895del1 (p.Q298fs306X) in Table 1, Royer-Pokora et al. 2004. PubMed ID: 15150775). This variant has not been reported in a large population database (gnomAD), indicating this variant is rare. This variant is interpreted as pathogenic in the ClinVar database (Variation ID: 1069921). Frameshift variants in WT1 are expected to be pathogenic. This variant is interpreted as pathogenic.

Labcorp Genetics (formerly Invitae), Labcorp
Classification: Pathogenic for Wilms tumor 1; Drash syndrome; 11p partial monosomy syndrome; Frasier syndrome. Last evaluated: 2020-04-29. Review status: criteria provided, single submitter. Criteria: Invitae Variant Classification Sherloc (09022015). Collection method: clinical testing. Allele origin: germline.
Comment: For these reasons, this variant has been classified as Pathogenic. Loss-of-function variants in WT1 are known to be pathogenic (PMID: 15150775). This sequence change creates a premature translational stop signal (p.Asp367Metfs*8) in the WT1 gene. It is expected to result in an absent or disrupted protein product. This variant is not present in population databases (ExAC no frequency). This variant has not been reported in the literature in individuals with WT1-related conditions. Algorithms developed to predict the effect of sequence changes on RNA splicing suggest that this variant may create or strengthen a splice site, but this prediction has not been confirmed by published transcriptional studies.

Literature cited by the submitters: PubMed 15150775 (cited by Labcorp Genetics (formerly Invitae), Labcorp).